The following is an entry in ClinVar:

NM_001371928.1(AHDC1):c.3483_3484del (p.Glu1161fs)

Gene: AHDC1 (AT-hook DNA binding motif containing 1; minus strand). Cytogenetic location: 1p36.11.
Variant type: Microsatellite.
Coding change: c.3483_3484del on transcript NM_001371928.1 (MANE Select); coding-DNA positions 3483 to 3484, 2 bases deleted (GA; older notation c.3483_3484delGA).
Protein change: p.Glu1161fs; shifts the reading frame from glutamic acid 1161.
Molecular consequence: frameshift variant.
Genome position (GRCh38, 1-based): chr1:27,548,632-27,548,633, TC deleted on the plus strand (GA on the coding strand, the reverse complement: AHDC1 is on the minus strand); deleting any 2 consecutive bases within chr1:27,548,632-27,548,635 gives the same sequence; the c. name uses the placement nearest the transcript's 3' end. VCF-style (leftmost placement, unchanged base first): chr1-27548631-GTC-G. GRCh37 (hg19) VCF-style: chr1-27875142-GTC-G.
Other names: c.3483_3484del, p.Glu1161fs (NM_001029882.3); c.-563_-562GA[1] (NM_015699.1); short protein forms E1161fs.
Identifiers: ClinVar variation 2788817 (VCV002788817.3), dbSNP rs2521864211, ClinGen allele CA2739272439.

ClinVar aggregate classification (germline): Pathogenic (1 of 4 stars; one submission).

Submission:

Labcorp Genetics (formerly Invitae), Labcorp
Classification: Pathogenic. Last evaluated: 2023-07-25. Review status: criteria provided, single submitter. Criteria: Invitae Variant Classification Sherloc (09022015). Collection method: clinical testing. Allele origin: germline.
Comment: This sequence change creates a premature translational stop signal (p.Glu1161Aspfs*4) in the AHDC1 gene. It is expected to result in an absent or disrupted protein product. Loss-of-function variants in AHDC1 are known to be pathogenic (PMID: 24791903, 27148574). For these reasons, this variant has been classified as Pathogenic. This variant has not been reported in the literature in individuals affected with AHDC1-related conditions. This variant is not present in population databases (gnomAD no frequency).

Literature cited by the submitters: PubMed 24791903; PubMed 27148574.